The following is an entry in ClinVar:

ClinVar aggregate classification (germline): Uncertain significance. Review status: criteria provided, multiple submitters, no conflicts (2 of 4 stars). 2 submissions from 2 submitters: Uncertain significance (2). Last evaluated 2023-12-11.

Conditions:
Inborn genetic diseases. Identifiers: MedGen C0950123, MeSH D030342.
Perlman syndrome (PRLMNS). Identifiers: Orphanet 2849, MedGen C0796113, MONDO:0009965, OMIM 267000.

Allele frequency attached by ClinVar (database versions not stated): ExAC 0.00001; gnomAD 0.00001; gnomAD exomes 0.00001; TOPMed 0.00001.
gnomAD v4.1: 3 of 1,613,900 alleles (0.00019%); highest among the groups gnomAD compares: East Asian, 0.0067%; no homozygotes.

Submissions (2):

Labcorp Genetics (formerly Invitae), Labcorp
Classification: Uncertain significance for Perlman syndrome. Last evaluated: 2023-12-11. Review status: criteria provided, single submitter. Criteria: Invitae Variant Classification Sherloc (09022015). Collection method: clinical testing. Allele origin: germline.
Comment: This sequence change replaces phenylalanine, which is neutral and non-polar, with isoleucine, which is neutral and non-polar, at codon 404 of the DIS3L2 protein (p.Phe404Ile). This variant is present in population databases (rs771992590, gnomAD 0.02%). This variant has not been reported in the literature in individuals affected with DIS3L2-related conditions. ClinVar contains an entry for this variant (Variation ID: 1004308). Advanced modeling of protein sequence and biophysical properties (such as structural, functional, and spatial information, amino acid conservation, physicochemical variation, residue mobility, and thermodynamic stability) performed at Invitae indicates that this missense variant is not expected to disrupt DIS3L2 protein function with a negative predictive value of 80%. In summary, the available evidence is currently insufficient to determine the role of this variant in disease. Therefore, it has been classified as a Variant of Uncertain Significance.

Ambry Genetics
Classification: Uncertain significance for Inborn genetic diseases. Last evaluated: 2023-06-29. Review status: criteria provided, single submitter. Criteria: Ambry Variant Classification Scheme 2023. Collection method: clinical testing. Allele origin: germline.

NM_152383.5(DIS3L2):c.1210T>A (p.Phe404Ile)

Gene: DIS3L2 (DIS3 like 3'-5' exoribonuclease 2; plus strand). Cytogenetic location: 2q37.1.
Variant type: single nucleotide variant.
Coding change: c.1210T>A on transcript NM_152383.5 (MANE Select); coding-DNA position 1210, T replaced by A.
Protein change: p.Phe404Ile; replaces phenylalanine 404 with isoleucine.
Molecular consequence: missense variant. On other transcripts: non-coding transcript variant (2).
Genome position (GRCh38, 1-based): chr2:232,238,538, T>A. VCF-style: chr2-232238538-T-A. GRCh37 (hg19) VCF-style: chr2-233103248-T-A.
Other names: c.1210T>A, p.Phe404Ile (NM_001257281.2); c.1210T>A (NM_152383.4); short protein forms F404I.
Identifiers: ClinVar variation 1004308 (VCV001004308.10), dbSNP rs771992590, ClinGen allele CA2164088.